The following is an entry in ClinVar:

ClinVar aggregate classification (germline): Likely benign. Review status: criteria provided, multiple submitters, no conflicts (2 of 4 stars). 2 submissions from 2 submitters: Likely benign (2). Last evaluated 2025-10-22.

Conditions:
Juvenile polyposis syndrome (JPS). Identifiers: Orphanet 2929, MedGen C0345893, MONDO:0017380, OMIM 174900.

Allele frequency attached by ClinVar (database versions not stated): TOPMed below 0.00001; gnomAD 0.00001.
gnomAD v4.1: 1 of 1,612,622 alleles (0.000062%); highest among the groups gnomAD compares: Non-Finnish European, 0.000085%; no homozygotes.

Submissions (2):

Labcorp Genetics (formerly Invitae), Labcorp
Classification: Likely benign for Juvenile polyposis syndrome. Last evaluated: 2025-10-22. Review status: criteria provided, single submitter. Criteria: Invitae Variant Classification Sherloc (09022015). Collection method: clinical testing. Allele origin: germline.

Myriad Genetics, Inc.
Classification: Likely benign for Juvenile polyposis syndrome. Last evaluated: 2024-08-01. Review status: criteria provided, single submitter. Criteria: Myriad Autosomal Dominant, Autosomal Recessive and X-Linked Classification Criteria (2023). Collection method: clinical testing. Allele origin: unknown.
Comment: This variant is considered likely benign. This variant is intronic and is not expected to impact mRNA splicing.

NM_004329.3(BMPR1A):c.530+7A>C

Gene: BMPR1A (bone morphogenetic protein receptor type 1A; plus strand). Cytogenetic location: 10q23.2.
Variant type: single nucleotide variant.
Coding change: c.530+7A>C on transcript NM_004329.3 (MANE Select); 7 bases into the intron after coding-DNA position 530, A replaced by C.
Molecular consequence: intron variant.
Genome position (GRCh38, 1-based): chr10:86,900,133, A>C. VCF-style: chr10-86900133-A-C. GRCh37 (hg19) VCF-style: chr10-88659890-A-C.
Identifiers: ClinVar variation 1098100 (VCV001098100.10), dbSNP rs1060504908, ClinGen allele CA669476550.